The following is an entry in ClinVar:

NM_020529.3(NFKBIA):c.461A>G (p.Gln154Arg)

Gene: NFKBIA (NFKB inhibitor alpha; minus strand). Cytogenetic location: 14q13.2.
Variant type: single nucleotide variant.
Coding change: c.461A>G on transcript NM_020529.3 (MANE Select); coding-DNA position 461, A replaced by G.
Protein change: p.Gln154Arg; replaces glutamine 154 with arginine.
Molecular consequence: missense variant.
Genome position (GRCh38, 1-based): chr14:35,403,236, T>C on the plus strand (A>G on the coding strand, the complement: NFKBIA is on the minus strand). VCF-style: chr14-35403236-T-C. GRCh37 (hg19) VCF-style: chr14-35872442-T-C.
Other names: short protein forms Q154R.
Identifiers: ClinVar variation 2725932 (VCV002725932.3), dbSNP rs1420428996, ClinGen allele CA389453156.

ClinVar aggregate classification (germline): Uncertain significance (1 of 4 stars; one submission).

Conditions:
Ectodermal dysplasia and immunodeficiency 2. Identifiers: Orphanet 238468, Orphanet 98813, MedGen C2677481, MONDO:0012806, OMIM 612132.

Allele frequency attached by ClinVar (database versions not stated): gnomAD 0.00001; gnomAD exomes 0.00001; TOPMed 0.00001.
gnomAD v4.1: 4 of 1,613,048 alleles (0.00025%); highest among the groups gnomAD compares: Admixed American, 0.0067%; no homozygotes.

Submission:

Labcorp Genetics (formerly Invitae), Labcorp
Classification: Uncertain significance for Ectodermal dysplasia and immunodeficiency 2. Last evaluated: 2025-11-03. Review status: criteria provided, single submitter. Criteria: Invitae Variant Classification Sherloc (09022015). Collection method: clinical testing. Allele origin: germline.
Comment: This sequence change replaces glutamine, which is neutral and polar, with arginine, which is basic and polar, at codon 154 of the NFKBIA protein (p.Gln154Arg). This variant is present in population databases (no rsID available, gnomAD 0.003%). This variant has not been reported in the literature in individuals affected with NFKBIA-related conditions. ClinVar contains an entry for this variant (Variation ID: 2725932). An algorithm developed to predict the effect of missense changes on protein structure and function (PolyPhen-2) suggests that this variant is likely to be tolerated. In summary, the available evidence is currently insufficient to determine the role of this variant in disease. Therefore, it has been classified as a Variant of Uncertain Significance.